The following is an entry in ClinVar:

ClinVar aggregate classification (germline): Uncertain significance. Review status: criteria provided, multiple submitters, no conflicts (2 of 4 stars). 4 submissions from 4 submitters: Uncertain significance (4). Last evaluated 2025-07-24.

Conditions:
Cardiovascular phenotype. Identifiers: MedGen CN230736.

gnomAD v4.1: 6 of 1,546,210 alleles (0.00039%); highest among the groups gnomAD compares: Non-Finnish European, 0.00052%; no homozygotes.

Submissions (4):

Ambry Genetics
Classification: Uncertain significance for Cardiovascular phenotype. Last evaluated: 2025-07-24. Review status: criteria provided, single submitter. Criteria: Ambry Variant Classification Scheme 2023. Collection method: clinical testing. Allele origin: germline.
Comment: The p.R246P variant (also known as c.737G>C), located in coding exon 3 of the APOE gene, results from a G to C substitution at nucleotide position 737. The arginine at codon 246 is replaced by proline, an amino acid with dissimilar properties. This amino acid position is conserved. In addition, the in silico prediction for this alteration is inconclusive. Based on the available evidence, the clinical significance of this variant remains unclear.

Blueprint Genetics
Classification: Uncertain significance. Last evaluated: 2024-10-16. Review status: criteria provided, single submitter. Criteria: ACMG Guidelines, 2015. Collection method: clinical testing. Allele origin: germline.

Mayo Clinic Laboratories, Mayo Clinic
Classification: Uncertain significance. Last evaluated: 2024-09-09. Review status: criteria provided, single submitter. Criteria: ACMG Guidelines, 2015. Collection method: clinical testing. Allele origin: germline. Observed: 1 variant allele.
Comment: PM2

GeneDx
Classification: Uncertain significance. Last evaluated: 2023-01-13. Review status: criteria provided, single submitter. Criteria: GeneDx Variant Classification Process June 2021. Collection method: clinical testing. Allele origin: germline. Affected: yes.
Comment: Not observed at significant frequency in large population cohorts (gnomAD); In silico analysis supports that this missense variant does not alter protein structure/function; Has not been previously published as pathogenic or benign to our knowledge

NM_000041.4(APOE):c.737G>C (p.Arg246Pro)

Gene: APOE (apolipoprotein E; plus strand). Cytogenetic location: 19q13.32.
Variant type: single nucleotide variant.
Coding change: c.737G>C on transcript NM_000041.4 (MANE Select); coding-DNA position 737, G replaced by C.
Protein change: p.Arg246Pro; replaces arginine 246 with proline.
Molecular consequence: missense variant.
Genome position (GRCh38, 1-based): chr19:44,909,033, G>C. VCF-style: chr19-44909033-G-C. GRCh37 (hg19) VCF-style: chr19-45412290-G-C.
Other names: p.Arg246Pro; c.815G>C, p.Arg272Pro (NM_001302688.2); c.737G>C, p.Arg246Pro (NM_001302689.2, NM_001302690.2, NM_001302691.2); c.737G>C (NM_000041.2); short protein forms R246P, R272P.
Identifiers: ClinVar variation 2572764 (VCV002572764.5), dbSNP rs1330553726, ClinGen allele CA406304912.